The following is an entry in ClinVar:

NM_000660.7(TGFB1):c.712+6G>T

Gene: TGFB1 (transforming growth factor beta 1; minus strand). Cytogenetic location: 19q13.2.
Variant type: single nucleotide variant.
Coding change: c.712+6G>T on transcript NM_000660.7 (MANE Select); 6 bases into the intron after coding-DNA position 712, G replaced by T.
Molecular consequence: intron variant.
Genome position (GRCh38, 1-based): chr19:41,342,164, C>A on the plus strand (G>T on the coding strand, the complement: TGFB1 is on the minus strand). VCF-style: chr19-41342164-C-A. GRCh37 (hg19) VCF-style: chr19-41848069-C-A.
Identifiers: ClinVar variation 1999702 (VCV001999702.4), dbSNP rs2513381652, ClinGen allele CA2580097284.

ClinVar aggregate classification (germline): Uncertain significance (1 of 4 stars; one submission).

Submission:

Labcorp Genetics (formerly Invitae), Labcorp
Classification: Uncertain significance. Last evaluated: 2022-10-21. Review status: criteria provided, single submitter. Criteria: Invitae Variant Classification Sherloc (09022015). Collection method: clinical testing. Allele origin: germline.
Comment: This sequence change falls in intron 4 of the TGFB1 gene. It does not directly change the encoded amino acid sequence of the TGFB1 protein. It affects a nucleotide within the consensus splice site. This variant is not present in population databases (gnomAD no frequency). This variant has not been reported in the literature in individuals affected with TGFB1-related conditions. Variants that disrupt the consensus splice site are a relatively common cause of aberrant splicing (PMID: 17576681, 9536098). Algorithms developed to predict the effect of sequence changes on RNA splicing suggest that this variant is not likely to affect RNA splicing. In summary, the available evidence is currently insufficient to determine the role of this variant in disease. Therefore, it has been classified as a Variant of Uncertain Significance.

Literature cited by the submitters: PubMed 17576681; PubMed 9536098.